The following is an entry in ClinVar:

NM_001035.3(RYR2):c.13656T>C (p.His4552=)

Gene: RYR2 (ryanodine receptor 2; plus strand). Cytogenetic location: 1q43.
Variant type: single nucleotide variant.
Coding change: c.13656T>C on transcript NM_001035.3 (MANE Select); coding-DNA position 13656, T replaced by C.
Protein change: p.His4552=; no amino-acid change (histidine 4552 retained).
Molecular consequence: synonymous variant.
Genome position (GRCh38, 1-based): chr1:237,792,197, T>C. VCF-style: chr1-237792197-T-C. GRCh37 (hg19) VCF-style: chr1-237955497-T-C.
Identifiers: ClinVar variation 43729 (VCV000043729.31), dbSNP rs397516512, ClinGen allele CA007997.

ClinVar aggregate classification (germline): Benign/Likely benign. Review status: criteria provided, multiple submitters, no conflicts (2 of 4 stars). 10 submissions from 9 submitters: Benign (5); Likely benign (5). Last evaluated 2025-07-20.

Conditions:
Cardiovascular phenotype. Identifiers: MedGen CN230736.
Cardiomyopathy (CMYO). Also called: Cardiomyopathies. Identifiers: Orphanet 167848, MedGen C0878544, MONDO:0004994, HP:0001638. Inheritance: Various modes of inheritance.
Catecholaminergic polymorphic ventricular tachycardia 1. Also called: VENTRICULAR TACHYCARDIA, CATECHOLAMINERGIC POLYMORPHIC, 1, WITH OR WITHOUT ATRIAL DYSFUNCTION AND/OR DILATED CARDIOMYOPATHY; VENTRICULAR TACHYCARDIA, STRESS-INDUCED POLYMORPHIC 1; RYR2-Related Catecholaminergic Polymorphic Ventricular Tachycardia. Identifiers: Orphanet 3286, MedGen C1631597, MONDO:0011484, OMIM 604772.
Arrhythmogenic right ventricular dysplasia 2. Identifiers: MedGen C1832931.
Catecholaminergic polymorphic ventricular tachycardia (CVPT). Also called: Catecholamine-induced polymorphic ventricular tachycardia. Identifiers: Orphanet 3286, MedGen C5574922, MONDO:0017990.

Allele frequency attached by ClinVar (database versions not stated): TOPMed below 0.00001; gnomAD 0.00001 and 0.00010; gnomAD exomes 0.00019 and 0.00039; 1000 Genomes Project 0.00040; 1000 Genomes Project 30x 0.00047; ExAC 0.00048.
gnomAD v4.1: 287 of 1,613,598 alleles (0.018%); highest among the groups gnomAD compares: South Asian, 0.3%; 6 homozygotes.

Submissions (10):

Labcorp Genetics (formerly Invitae), Labcorp
Classification: Benign for Catecholaminergic polymorphic ventricular tachycardia 1. Last evaluated: 2025-07-20. Review status: criteria provided, single submitter. Criteria: Invitae Variant Classification Sherloc (09022015). Collection method: clinical testing. Allele origin: germline.

Molecular Diagnostic Laboratory for Inherited Cardiovascular Disease, Montreal Heart Institute
Classification: Benign. Last evaluated: 2025-04-09. Review status: criteria provided, single submitter. Criteria: ACMG Guidelines, 2015. Collection method: clinical testing. Allele origin: germline. Affected: no.

Blueprint Genetics
Classification: Likely benign. Last evaluated: 2024-11-18. Review status: criteria provided, single submitter. Criteria: ACMG Guidelines, 2015. Collection method: clinical testing. Allele origin: germline.

All of Us Research Program, National Institutes of Health
Classification: Benign for Catecholaminergic polymorphic ventricular tachycardia. Last evaluated: 2023-12-01. Review status: criteria provided, single submitter. Criteria: ACMG Guidelines, 2015. Collection method: clinical testing. Allele origin: germline. Inheritance: Autosomal dominant inheritance. Observed: 3 variant alleles, 3 heterozygotes.
Comment: This study involves interpretation of variants in research participants for the purpose of population health screening. Participant phenotype was not available at the time of variant classification. Additional details can be found in publication PMID: 35346344, PMCID: PMC8962531

Ambry Genetics
Classification: Likely benign for Cardiovascular phenotype. Last evaluated: 2020-01-23. Review status: criteria provided, single submitter. Criteria: Ambry Variant Classification Scheme 2023. Collection method: clinical testing. Allele origin: germline.

Color Diagnostics, LLC DBA Color Health
Classification: Benign for Cardiomyopathy. Last evaluated: 2018-10-16. Review status: criteria provided, single submitter. Criteria: ACMG Guidelines, 2015. Collection method: clinical testing. Allele origin: germline.

Illumina Laboratory Services, Illumina
Classification: Benign for Catecholaminergic polymorphic ventricular tachycardia 1. Last evaluated: 2018-01-13. Review status: criteria provided, single submitter. Criteria: ICSL Variant Classification Criteria 13 December 2019. Collection method: clinical testing. Allele origin: germline.
Comment: This variant was observed in the ICSL laboratory as part of a predisposition screen in an ostensibly healthy population. It had not been previously curated by ICSL or reported in the Human Gene Mutation Database (HGMD: prior to June 1st, 2018), and was therefore a candidate for classification through an automated scoring system. Utilizing variant allele frequency, disease prevalence and penetrance estimates, and inheritance mode, an automated score was calculated to assess if this variant is too frequent to cause the disease. Based on the score and internal cut-off values, a variant classified as benign is not then subjected to further curation. The score for this variant resulted in a classification of benign for this disease.

Illumina Laboratory Services, Illumina
Classification: Likely benign for Catecholaminergic polymorphic ventricular tachycardia 1. Last evaluated: 2018-01-13. Review status: criteria provided, single submitter. Criteria: ICSL Variant Classification Criteria 13 December 2019. Collection method: clinical testing. Allele origin: germline.
Comment: This variant was observed in the ICSL laboratory as part of a predisposition screen in an ostensibly healthy population. It had not been previously curated by ICSL or reported in the Human Gene Mutation Database (HGMD: prior to June 1st, 2018), and was therefore a candidate for classification through an automated scoring system. Utilizing variant allele frequency, disease prevalence and penetrance estimates, and inheritance mode, an automated score was calculated to assess if this variant is too frequent to cause the disease. Based on the score and internal cut-off values, a variant classified as likely benign is not then subjected to further curation. The score for this variant resulted in a classification of likely benign for this disease.

CHEO Genetics Diagnostic Laboratory, Children's Hospital of Eastern Ontario
Classification: Likely benign for Cardiomyopathy. Last evaluated: 2016-06-26. Review status: criteria provided, single submitter. Criteria: ACMG Guidelines, 2015. Collection method: clinical testing. Allele origin: germline. Study: Canadian Open Genetics Repository.

Laboratory for Molecular Medicine, Mass General Brigham Personalized Medicine
Classification: Likely benign. Last evaluated: 2012-06-26. Review status: criteria provided, single submitter. Criteria: LMM Criteria. Collection method: clinical testing. Allele origin: germline. Observed: 1 variant allele.
Comment: His4552His in exon 94 of RYR2: This variant is not expected to have clinical sig nificance because it does not alter an amino acid residue and is not located wit hin the splice consensus sequence. His4552His in exon 94 of RYR2 (allele frequ ency = n/a)